The following is an entry in ClinVar:

NM_004281.4(BAG3):c.133C>G (p.Arg45Gly)

Gene: BAG3 (BAG cochaperone 3; plus strand). Cytogenetic location: 10q26.11.
Variant type: single nucleotide variant.
Coding change: c.133C>G on transcript NM_004281.4 (MANE Select); coding-DNA position 133, C replaced by G.
Protein change: p.Arg45Gly; replaces arginine 45 with glycine.
Molecular consequence: missense variant.
Genome position (GRCh38, 1-based): chr10:119,651,808, C>G. VCF-style: chr10-119651808-C-G. GRCh37 (hg19) VCF-style: chr10-121411320-C-G.
Other names: short protein forms R45G.
Identifiers: ClinVar variation 2951025 (VCV002951025.3), dbSNP rs747820097, ClinGen allele CA378294251.
Genomic context (GRCh38, chr10:119,651,808, plus strand): 5'-GGATGGGAGATCAAGATCGACCCGCAGACCGGCTGGCCCTTCTTCGTGGACCACAACAGC[C>G]GCACCACTACGTGGAACGACCCGCGCGTGCCCTCTGAGGGCCCCAAGGTGAGCCGGGCCC-3'
Protein context (NP_004272.2, residues 35-55): GWPFFVDHNS[Arg45Gly]TTTWNDPRVP

ClinVar aggregate classification (germline): Uncertain significance (1 of 4 stars; one submission).

Conditions:
Myofibrillar myopathy 6. Identifiers: Orphanet 199340, MedGen C2751831, MONDO:0013061, OMIM 612954.
Dilated cardiomyopathy 1HH (CMD1HH). Identifiers: Orphanet 154, MedGen C3151293, MONDO:0013479, OMIM 613881.

gnomAD v4.1: 1 of 1,598,044 alleles (0.000063%); highest among the groups gnomAD compares: Non-Finnish European, 0.000085%; no homozygotes.

Submission:

Labcorp Genetics (formerly Invitae), Labcorp
Classification: Uncertain significance for Dilated cardiomyopathy 1HH; Myofibrillar myopathy 6. Last evaluated: 2023-04-03. Review status: criteria provided, single submitter. Criteria: Invitae Variant Classification Sherloc (09022015). Collection method: clinical testing. Allele origin: germline.
Comment: This sequence change replaces arginine, which is basic and polar, with glycine, which is neutral and non-polar, at codon 45 of the BAG3 protein (p.Arg45Gly). This variant is not present in population databases (gnomAD no frequency). In summary, the available evidence is currently insufficient to determine the role of this variant in disease. Therefore, it has been classified as a Variant of Uncertain Significance. An algorithm developed to predict the effect of missense changes on protein structure and function (PolyPhen-2) suggests that this variant is likely to be disruptive. This variant has not been reported in the literature in individuals affected with BAG3-related conditions.